The following is an entry in ClinVar:

ClinVar aggregate classification (germline): Uncertain significance (1 of 4 stars; one submission).

Conditions:
Hereditary cancer-predisposing syndrome. Also called: Hereditary Cancer Syndrome; Hereditary neoplastic syndrome; Neoplastic Syndromes, Hereditary; Tumor predisposition. Identifiers: Orphanet 140162, MedGen C0027672, MeSH D009386, MONDO:0015356.

Submission:

Ambry Genetics
Classification: Uncertain significance for Hereditary cancer-predisposing syndrome. Last evaluated: 2021-12-16. Review status: criteria provided, single submitter. Criteria: Ambry Variant Classification Scheme 2023. Collection method: clinical testing. Allele origin: germline.
Comment: The p.Q505E variant (also known as c.1513C>G), located in coding exon 12 of the POT1 gene, results from a C to G substitution at nucleotide position 1513. The glutamine at codon 505 is replaced by glutamic acid, an amino acid with highly similar properties. This amino acid position is well conserved in available vertebrate species. In addition, this alteration is predicted to be tolerated by in silico analysis. Since supporting evidence is limited at this time, the clinical significance of this alteration remains unclear.

NM_015450.3(POT1):c.1513C>G (p.Gln505Glu)

Gene: POT1 (protection of telomeres 1; minus strand). Cytogenetic location: 7q31.33.
Variant type: single nucleotide variant.
Coding change: c.1513C>G on transcript NM_015450.3 (MANE Select); coding-DNA position 1513, C replaced by G.
Protein change: p.Gln505Glu; replaces glutamine 505 with glutamic acid.
Molecular consequence: missense variant. On other transcripts: non-coding transcript variant (2).
Genome position (GRCh38, 1-based): chr7:124,829,335, G>C on the plus strand (C>G on the coding strand, the complement: POT1 is on the minus strand). VCF-style: chr7-124829335-G-C. GRCh37 (hg19) VCF-style: chr7-124469389-G-C.
Other names: c.1120C>G, p.Gln374Glu (NM_001042594.2); short protein forms Q374E, Q505E.
Identifiers: ClinVar variation 1774263 (VCV001774263.2), dbSNP rs2485352905, ClinGen allele CA369064684.